The following is an entry in ClinVar:

NM_004562.3(PRKN):c.7+5G>A

Genes: PACRG (parkin coregulated; plus strand), PRKN (parkin RBR E3 ubiquitin protein ligase; minus strand). Cytogenetic location: 6q26.
Variant type: single nucleotide variant.
Coding change: c.7+5G>A on transcript NM_004562.3 (MANE Select); 5 bases into the intron after coding-DNA position 7, G replaced by A.
Molecular consequence: intron variant.
Genome position (GRCh38, 1-based): chr6:162,727,657, C>T on the plus strand (G>A on the coding strand, the complement: PRKN is on the minus strand). VCF-style: chr6-162727657-C-T. GRCh37 (hg19) VCF-style: chr6-163148689-C-T.
Other names: NC_000006.11:g.163148689C>T; c.7+5G>A (NM_013988.3, NM_013987.3); c.-77+378C>T (NM_152410.3, NM_001080378.2).
Identifiers: ClinVar variation 1300469 (VCV001300469.5), dbSNP rs1204087943, ClinGen allele CA2573052643.

ClinVar aggregate classification (germline): Uncertain significance (1 of 4 stars; one submission).

gnomAD v4.1: 3 of 1,584,678 alleles (0.00019%); highest among the groups gnomAD compares: Non-Finnish European, 0.00026%; no homozygotes.

Submissions (2):

GeneDx
Classification: Uncertain significance. Last evaluated: 2021-01-20. Review status: criteria provided, single submitter. Criteria: GeneDx Variant Classification Process June 2021. Collection method: clinical testing. Allele origin: germline. Affected: yes.
Comment: Not observed in large population cohorts (Lek et al., 2016); Has not been previously published as pathogenic or benign to our knowledge; In-silico analysis, which includes splice predictors and evolutionary conservation, is inconclusive as to whether the variant alters gene splicing. In the absence of RNA/functional studies, the actual effect of this sequence change is unknown.

Dr. Peter K. Rogan Lab, Western University
No classification provided (evidence only). Condition: Nonpapillary renal cell carcinoma. Review status: no classification provided. Collection method: in vitro. Allele origin: not applicable. Functional consequence: retained intron. Not counted in ClinVar's aggregate classification.